The following is an entry in ClinVar:

ClinVar aggregate classification (germline): Uncertain significance (1 of 4 stars; one submission).

Conditions:
Familial adenomatous polyposis 1 (FAP1). Also called: FAMILIAL ADENOMATOUS POLYPOSIS 1, ATTENUATED; POLYPOSIS, ADENOMATOUS INTESTINAL. Identifiers: MedGen C2713442, MONDO:0021056, OMIM 175100. Disease mechanism: loss of function.

Submission:

Labcorp Genetics (formerly Invitae), Labcorp
Classification: Uncertain significance for Familial adenomatous polyposis 1. Last evaluated: 2023-06-16. Review status: criteria provided, single submitter. Criteria: Invitae Variant Classification Sherloc (09022015). Collection method: clinical testing. Allele origin: germline.
Comment: This sequence change replaces glutamine, which is neutral and polar, with proline, which is neutral and non-polar, at codon 2154 of the APC protein (p.Gln2154Pro). This variant is not present in population databases (gnomAD no frequency). This variant has not been reported in the literature in individuals affected with APC-related conditions. Advanced modeling of protein sequence and biophysical properties (such as structural, functional, and spatial information, amino acid conservation, physicochemical variation, residue mobility, and thermodynamic stability) performed at Invitae indicates that this missense variant is not expected to disrupt APC protein function. In summary, the available evidence is currently insufficient to determine the role of this variant in disease. Therefore, it has been classified as a Variant of Uncertain Significance.

NM_000038.6(APC):c.6461A>C (p.Gln2154Pro)

Gene: APC (APC regulator of Wnt signaling pathway; plus strand). Cytogenetic location: 5q22.2.
Variant type: single nucleotide variant.
Coding change: c.6461A>C on transcript NM_000038.6 (MANE Select); coding-DNA position 6461, A replaced by C.
Protein change: p.Gln2154Pro; replaces glutamine 2154 with proline.
Molecular consequence: missense variant. On other transcripts: non-coding transcript variant (2).
Genome position (GRCh38, 1-based): chr5:112,842,055, A>C. VCF-style: chr5-112842055-A-C. GRCh37 (hg19) VCF-style: chr5-112177752-A-C.
Other names: c.6461A>C, p.Gln2154Pro (NM_001127510.3, NM_001354895.2, NM_001407450.1); c.6407A>C, p.Gln2136Pro (NM_001127511.3); c.6515A>C, p.Gln2172Pro (NM_001354896.2, NM_001407447.1, NM_001407448.1 and 1 more transcripts); c.6491A>C, p.Gln2164Pro (NM_001354897.2); c.6386A>C, p.Gln2129Pro (NM_001354898.2); c.6377A>C, p.Gln2126Pro (NM_001354899.2); c.6338A>C, p.Gln2113Pro (NM_001354900.2); c.6284A>C, p.Gln2095Pro (NM_001354901.2, NM_001407453.1); and 11 more; short protein forms Q1770P, Q1871P, Q1994P, Q2172P, Q2063P, Q2071P, Q2129P, Q2144P.
Identifiers: ClinVar variation 2857127 (VCV002857127.3), dbSNP rs2149965416, ClinGen allele CA16035467.